The following is an entry in ClinVar:

ClinVar aggregate classification (germline): Likely benign (0 of 4 stars; one submission).

Conditions:
TGFBI-related disorder. Also called: TGFBI-related condition.

Allele frequency attached by ClinVar (database versions not stated): gnomAD 0.00011; 1000 Genomes Project 30x 0.00016; ESP Exome Variant Server 0.00016; 1000 Genomes Project 0.00020; TOPMed 0.00021; ExAC 0.00025.
gnomAD v4.1: 190 of 1,613,850 alleles (0.012%); highest among the groups gnomAD compares: East Asian, 0.2%; 2 homozygotes.

Submission:

PreventionGenetics, part of Exact Sciences
Classification: Likely benign for TGFBI-related condition. Last evaluated: 2020-01-08. Review status: no assertion criteria provided. Collection method: clinical testing. Allele origin: germline.
Comment: This variant is classified as likely benign based on ACMG/AMP sequence variant interpretation guidelines (Richards et al. 2015 PMID: 25741868, with internal and published modifications).

NM_000358.3(TGFBI):c.690C>T (p.His230=)

Gene: TGFBI (transforming growth factor beta induced; plus strand). Cytogenetic location: 5q31.1.
Variant type: single nucleotide variant.
Coding change: c.690C>T on transcript NM_000358.3 (MANE Select); coding-DNA position 690, C replaced by T.
Protein change: p.His230=; no amino-acid change (histidine 230 retained).
Molecular consequence: synonymous variant.
Genome position (GRCh38, 1-based): chr5:136,047,339, C>T. VCF-style: chr5-136047339-C-T. GRCh37 (hg19) VCF-style: chr5-135383028-C-T.
Identifiers: ClinVar variation 3034478 (VCV003034478.2), dbSNP rs183236719, ClinGen allele CA3420120.